The following is an entry in ClinVar:

NM_198576.4(AGRN):c.3724C>T (p.Gln1242Ter)

Gene: AGRN (agrin; plus strand). Cytogenetic location: 1p36.33.
Variant type: single nucleotide variant.
Coding change: c.3724C>T on transcript NM_198576.4 (MANE Select); coding-DNA position 3724, C replaced by T.
Protein change: p.Gln1242Ter; replaces glutamine 1242 with a stop codon.
Molecular consequence: nonsense.
Genome position (GRCh38, 1-based): chr1:1,047,868, C>T. VCF-style: chr1-1047868-C-T. GRCh37 (hg19) VCF-style: chr1-983248-C-T.
Other names: c.3724C>T, p.Gln1242Ter (NM_001305275.2); c.3409C>T, p.Gln1137Ter (NM_001364727.2); short protein forms Q1137*, Q1242*.
Identifiers: ClinVar variation 1070058 (VCV001070058.7), dbSNP rs2100666336, ClinGen allele CA337851711.
Genomic context (GRCh38, chr1:1,047,868, plus strand): 5'-GCCCTGCTCCGGCAGATCCAGGTGTCCAGGCGCCGGTCCTTGGGGGTGAGGCGGCCGCTG[C>T]AGGAGCACGTGCGATTTATGGACTTTGGTGAGCGCCAGGCCACGAGCCACAGCTTACCTG-3'

ClinVar aggregate classification (germline): Pathogenic (1 of 4 stars; one submission).

Conditions:
Congenital myasthenic syndrome 8. Also called: MYASTHENIC SYNDROME, CONGENITAL, DUE TO AGRIN DEFICIENCY; Myasthenic syndrome, congenital, 8, with pre- and postsynaptic defects. Identifiers: Orphanet 590, MedGen C3808739, MONDO:0014052, OMIM 615120.

Submission:

Labcorp Genetics (formerly Invitae), Labcorp
Classification: Pathogenic for Congenital myasthenic syndrome 8. Last evaluated: 2022-08-10. Review status: criteria provided, single submitter. Criteria: Invitae Variant Classification Sherloc (09022015). Collection method: clinical testing. Allele origin: germline.
Comment: This sequence change creates a premature translational stop signal (p.Gln1242*) in the AGRN gene. It is expected to result in an absent or disrupted protein product. Loss-of-function variants in AGRN are known to be pathogenic (PMID: 24951643). This variant is not present in population databases (gnomAD no frequency). This variant has not been reported in the literature in individuals affected with AGRN-related conditions. ClinVar contains an entry for this variant (Variation ID: 1070058). For these reasons, this variant has been classified as Pathogenic.

Literature cited by the submitters: PubMed 24951643.